The following is an entry in ClinVar:

ClinVar aggregate classification (germline): Benign/Likely benign. Review status: criteria provided, multiple submitters, no conflicts (2 of 4 stars). 6 submissions from 6 submitters: Benign (1); Likely benign (5). Last evaluated 2026-08-01.

Conditions:
Hereditary spastic paraplegia 28. Also called: Spastic paraplegia 28, autosomal recessive. Identifiers: Orphanet 101008, MedGen C1836295, MONDO:0012256, OMIM 609340.
Hereditary spastic paraplegia. Also called: Familial spastic paraparesis. Identifiers: Orphanet 685, MedGen C0037773, MONDO:0019064. Disease mechanism: loss of function.

Allele frequency attached by ClinVar (database versions not stated): 1000 Genomes Project 0.00060; 1000 Genomes Project 30x 0.00062; ESP Exome Variant Server 0.00115; gnomAD 0.00149 and 0.00150; gnomAD exomes 0.00151; TOPMed 0.00151; ExAC 0.00158.
gnomAD v4.1: 2,930 of 1,613,696 alleles (0.18%); highest among the groups gnomAD compares: Non-Finnish European, 0.22%; 9 homozygotes.

Submissions (6):

CeGaT Center for Human Genetics Tuebingen
Classification: Likely benign. Last evaluated: 2026-08-01. Review status: criteria provided, single submitter. Criteria: CeGaT Center For Human Genetics Tuebingen Variant Classification Criteria Version 2. Collection method: clinical testing. Allele origin: germline. Affected: yes. Observed: 16 variant alleles.
Comment: DDHD1: BP4, BP7

Labcorp Genetics (formerly Invitae), Labcorp
Classification: Benign for Hereditary spastic paraplegia 28. Last evaluated: 2026-01-27. Review status: criteria provided, single submitter. Criteria: Invitae Variant Classification Sherloc (09022015). Collection method: clinical testing. Allele origin: germline.

Blueprint Genetics
Classification: Likely benign. Last evaluated: 2024-11-22. Review status: criteria provided, single submitter. Criteria: ACMG Guidelines, 2015. Collection method: clinical testing. Allele origin: germline.

Genome Diagnostics Laboratory, The Hospital for Sick Children
Classification: Likely benign for Hereditary spastic paraplegia. Last evaluated: 2021-03-30. Review status: criteria provided, single submitter. Criteria: ACMG Guidelines, 2015. Collection method: clinical testing. Allele origin: germline. Affected: yes.

GeneDx
Classification: Likely benign. Last evaluated: 2019-07-18. Review status: criteria provided, single submitter. Criteria: GeneDx Variant Classification Process June 2021. Collection method: clinical testing. Allele origin: germline. Affected: yes.

Breakthrough Genomics
Classification: Likely benign. Review status: criteria provided, single submitter. Criteria: ACMG Guidelines, 2015. Collection method: not provided. Allele origin: germline. Inheritance: Autosomal recessive inheritance. Affected: yes.

NM_001160148.2(DDHD1):c.1524A>G (p.Gln508=)

Gene: DDHD1 (DDHD domain containing 1; minus strand). Cytogenetic location: 14q22.1.
Variant type: single nucleotide variant.
Coding change: c.1524A>G on transcript NM_001160148.2 (MANE Select); coding-DNA position 1524, A replaced by G.
Protein change: p.Gln508=; no amino-acid change (glutamine 508 retained).
Molecular consequence: synonymous variant.
Genome position (GRCh38, 1-based): chr14:53,063,185, T>C on the plus strand (A>G on the coding strand, the complement: DDHD1 is on the minus strand). VCF-style: chr14-53063185-T-C. GRCh37 (hg19) VCF-style: chr14-53529903-T-C.
Other names: c.1545A>G, p.Gln515= (NM_001160147.2); c.1524A>G, p.Gln508= (NM_030637.3).
Identifiers: ClinVar variation 380535 (VCV000380535.55), dbSNP rs138906273, ClinGen allele CA7191207.
Genomic context (GRCh38, chr14:53,063,185, plus strand): 5'-CCCTTTTTCTTCAAAGTCTGGATTCCGAGAACAGAAAAGGGAATACAATCGATTCAGCTC[T>C]TGCTGAAGGCCTTTAACTAGCTGTTTGAAATAAGAAAACATTATCATATTAGACTTGTCA-3'
Protein context (NP_001153620.1, residues 498-518): YRDELVKGLQ[Gln508=]ELNRLYSLFC